The following is an entry in ClinVar:

NM_024426.6(WT1):c.1202C>A (p.Pro401Gln)

Gene: WT1 (WT1 transcription factor; minus strand). Cytogenetic location: 11p13.
Variant type: single nucleotide variant.
Coding change: c.1202C>A on transcript NM_024426.6 (MANE Select); coding-DNA position 1202, C replaced by A.
Protein change: p.Pro401Gln; replaces proline 401 with glutamine.
Molecular consequence: missense variant. On other transcripts: non-coding transcript variant (1).
Genome position (GRCh38, 1-based): chr11:32,396,319, G>T on the plus strand (C>A on the coding strand, the complement: WT1 is on the minus strand). VCF-style: chr11-32396319-G-T. GRCh37 (hg19) VCF-style: chr11-32417865-G-T.
Other names: c.1151C>A, p.Pro384Gln (NM_000378.6, NM_001407045.1, NM_001407048.1 and 1 more transcripts); c.551C>A, p.Pro184Gln (NM_001198551.2); c.500C>A, p.Pro167Gln (NM_001198552.2); c.14C>A, p.Pro5Gln (NM_001367854.1); c.1196C>A, p.Pro399Gln (NM_001407044.1); c.1202C>A, p.Pro401Gln (NM_001407046.1, NM_024424.5); c.1079C>A, p.Pro360Gln (NM_001407047.1); c.1028C>A, p.Pro343Gln (NM_001407050.1); and 2 more; short protein forms P184Q, P343Q, P5Q, P147Q, P384Q, P167Q, P360Q, P396Q.
Identifiers: ClinVar variation 2189220 (VCV002189220.4), dbSNP rs1060501258, ClinGen allele CA379959904.
Genomic context (GRCh38, chr11:32,396,319, plus strand): 5'-GTGTGCTTCCTGCTGTGCATCTGTAAGTGGGACAGCTTAAAATATCTCTTATTGCAGCCT[G>T]GGTAAGCACACATGAAGGGGCGTTTCTCACTGGTCTCAGATGCCGACCGTACAAGAGTCG-3'
Protein context (NP_077744.4, residues 391-411): SEKRPFMCAY[Pro401Gln]GCNKRYFKLS

ClinVar aggregate classification (germline): Uncertain significance (1 of 4 stars; one submission).

Conditions:
Frasier syndrome. Identifiers: Orphanet 347, MedGen C0950122, MeSH D052159, MONDO:0007635, OMIM 136680.
Wilms tumor 1 (WT1). Also called: Wilms tumor, somatic. Identifiers: Orphanet 654, MedGen CN033288, MONDO:0008679, OMIM 194070.
11p partial monosomy syndrome (WAGR). Also called: CHROMOSOME 11p13 DELETION SYNDROME; WAGR Complex; WAGR syndrome; WAGR Spectrum Disorder. Identifiers: Orphanet 893, MedGen C0206115, MONDO:0008681, OMIM 194072.
Drash syndrome (DDS). Also called: WILMS TUMOR AND PSEUDO- OR TRUE HERMAPHRODITISM; NEPHROPATHY, WILMS TUMOR, AND GENITAL ANOMALIES. Identifiers: Orphanet 220, MedGen C0950121, MONDO:0008682, OMIM 194080.

Submission:

Labcorp Genetics (formerly Invitae), Labcorp
Classification: Uncertain significance for Wilms tumor 1; Drash syndrome; 11p partial monosomy syndrome; Frasier syndrome. Last evaluated: 2022-09-22. Review status: criteria provided, single submitter. Criteria: Invitae Variant Classification Sherloc (09022015). Collection method: clinical testing. Allele origin: germline.
Comment: In summary, the available evidence is currently insufficient to determine the role of this variant in disease. Therefore, it has been classified as a Variant of Uncertain Significance. Algorithms developed to predict the effect of missense changes on protein structure and function (SIFT, PolyPhen-2, Align-GVGD) all suggest that this variant is likely to be disruptive. This variant has not been reported in the literature in individuals affected with WT1-related conditions. This variant is not present in population databases (gnomAD no frequency). This sequence change replaces proline, which is neutral and non-polar, with glutamine, which is neutral and polar, at codon 396 of the WT1 protein (p.Pro396Gln).